The following is an entry in ClinVar:

NM_000018.4(ACADVL):c.686G>A (p.Arg229Gln)

Gene: ACADVL (acyl-CoA dehydrogenase very long chain; plus strand). Cytogenetic location: 17p13.1.
Variant type: single nucleotide variant.
Coding change: c.686G>A on transcript NM_000018.4 (MANE Select); coding-DNA position 686, G replaced by A.
Protein change: p.Arg229Gln; replaces arginine 229 with glutamine.
Molecular consequence: missense variant.
Genome position (GRCh38, 1-based): chr17:7,222,015, G>A. VCF-style: chr17-7222015-G-A. GRCh37 (hg19) VCF-style: chr17-7125334-G-A.
Other names: c.686G>A (NM_000018.2); c.620G>A, p.Arg207Gln (NM_001033859.3); c.755G>A, p.Arg252Gln (NM_001270447.2); c.458G>A, p.Arg153Gln (NM_001270448.2); short protein forms R229Q, R252Q, R153Q, R207Q.
Identifiers: ClinVar variation 932889 (VCV000932889.13), dbSNP rs777955007, ClinGen allele CA8337812.

ClinVar aggregate classification (germline): Conflicting classifications of pathogenicity. Review status: criteria provided, conflicting classifications (1 of 4 stars). 5 submissions from 5 submitters: Uncertain significance (3); Likely benign (1). 1 of the submissions does not count toward it. Last evaluated 2026-05-01.

Conditions:
Inborn genetic diseases. Identifiers: MedGen C0950123, MeSH D030342.
Very long chain acyl-CoA dehydrogenase deficiency (ACADVLD). Also called: VLCAD Deficiency; Very Long-Chain Acyl-Coenzyme A Dehydrogenase Deficiency. Identifiers: Orphanet 26793, MedGen C3887523, MONDO:0008723, OMIM 201475.

Allele frequency attached by ClinVar (database versions not stated): gnomAD exomes 0.00001 and 0.00006; TOPMed 0.00001; ExAC 0.00005.
gnomAD v4.1: 23 of 1,614,022 alleles (0.0014%); highest among the groups gnomAD compares: Admixed American, 0.02%; 1 homozygote.

Submissions (5):

CeGaT Center for Human Genetics Tuebingen
Classification: Likely benign. Last evaluated: 2026-05-01. Review status: criteria provided, single submitter. Criteria: CeGaT Center For Human Genetics Tuebingen Variant Classification Criteria Version 2. Collection method: clinical testing. Allele origin: germline. Affected: yes. Observed: 1 variant allele.
Comment: ACADVL: BS2

Labcorp Genetics (formerly Invitae), Labcorp
Classification: Uncertain significance for Very long chain acyl-CoA dehydrogenase deficiency. Last evaluated: 2025-12-01. Review status: criteria provided, single submitter. Criteria: Invitae Variant Classification Sherloc (09022015). Collection method: clinical testing. Allele origin: germline.
Comment: This sequence change replaces arginine, which is basic and polar, with glutamine, which is neutral and polar, at codon 229 of the ACADVL protein (p.Arg229Gln). This variant is present in population databases (rs777955007, gnomAD 0.03%). This variant has not been reported in the literature in individuals affected with ACADVL-related conditions. ClinVar contains an entry for this variant (Variation ID: 932889). Invitae Evidence Modeling of protein sequence and biophysical properties (such as structural, functional, and spatial information, amino acid conservation, physicochemical variation, residue mobility, and thermodynamic stability) indicates that this missense variant is not expected to disrupt ACADVL protein function with a negative predictive value of 80%. In summary, the available evidence is currently insufficient to determine the role of this variant in disease. Therefore, it has been classified as a Variant of Uncertain Significance.

Ambry Genetics
Classification: Uncertain significance for Inborn genetic diseases. Last evaluated: 2022-05-27. Review status: criteria provided, single submitter. Criteria: Ambry Variant Classification Scheme 2023. Collection method: clinical testing. Allele origin: germline.
Comment: The p.R229Q variant (also known as c.686G>A), located in coding exon 8 of the ACADVL gene, results from a G to A substitution at nucleotide position 686. The arginine at codon 229 is replaced by glutamine, an amino acid with highly similar properties. This amino acid position is conserved. In addition, the in silico prediction for this alteration is inconclusive. Since supporting evidence is limited at this time, the clinical significance of this alteration remains unclear.

Wong Mito Lab, Molecular and Human Genetics, Baylor College of Medicine
Classification: Uncertain significance for Very long chain acyl-CoA dehydrogenase deficiency. Last evaluated: 2019-11-01. Review status: criteria provided, single submitter. Criteria: ACMG Guidelines, 2015. Collection method: clinical testing. Allele origin: germline.
Comment: The NM_000018.3:c.686G>A (NP_000009.1:p.Arg229Gln) [GRCH38: NC_000017.11:g.7222015G>A] variant in ACADVL gene is interpretated to be Uncertain Significance based on ACMG guidelines (PMID: 25741868). This variant has been reported. This variant meets the following evidence codes reported in the ACMG guidelines: BP4

Natera, Inc.
Classification: Uncertain significance for Very long chain acyl-CoA dehydrogenase deficiency. Last evaluated: 2021-07-14. Review status: no assertion criteria provided. Collection method: clinical testing. Allele origin: germline. Not counted in ClinVar's aggregate classification.